The following is an entry in ClinVar:

NM_021098.3(CACNA1H):c.994G>A (p.Ala332Thr)

Gene: CACNA1H (calcium voltage-gated channel subunit alpha1 H; plus strand). Cytogenetic location: 16p13.3.
Variant type: single nucleotide variant.
Coding change: c.994G>A on transcript NM_021098.3 (MANE Select); coding-DNA position 994, G replaced by A.
Protein change: p.Ala332Thr; replaces alanine 332 with threonine.
Molecular consequence: missense variant.
Genome position (GRCh38, 1-based): chr16:1,200,446, G>A. VCF-style: chr16-1200446-G-A. GRCh37 (hg19) VCF-style: chr16-1250446-G-A.
Other names: p.Ala332Thr; c.994G>A, p.Ala332Thr (NM_001005407.2); short protein forms A332T.
Identifiers: ClinVar variation 460196 (VCV000460196.18), dbSNP rs59650398, ClinGen allele CA7799742.
Genomic context (GRCh38, chr16:1,200,446, plus strand): 5'-CGCATGCCCTGCACCCTGGGCTGGGAGGCCTACACGCAGCCGCAGGCCGAGGGGGTGGGC[G>A]CTGCACGCAACGCCTGCATCAACTGGAACCAGTACTACAACGTGTGCCGCTCGGGTGACT-3'
Protein context (NP_066921.2, residues 322-342): YTQPQAEGVG[Ala332Thr]ARNACINWNQ

ClinVar aggregate classification (germline): Benign/Likely benign. Review status: criteria provided, multiple submitters, no conflicts (2 of 4 stars). 5 submissions from 5 submitters: Benign (3); Likely benign (2). Last evaluated 2026-09-01.

Conditions:
Hyperaldosteronism, familial, type IV (HALD4). Also called: FH IV; ALDOSTERONISM, PRIMARY, AND HYPERTENSION. Identifiers: Orphanet 642671, MedGen C4310756, MONDO:0014875, OMIM 617027.
Idiopathic generalized epilepsy. Also called: Generalised epilepsy; EIG. Identifiers: MedGen C0270850, MONDO:0005579, OMIM 600669.
Epilepsy, childhood absence, susceptibility to, 6. Identifiers: Orphanet 64280, MedGen C2749872, MONDO:0012763, OMIM 611942.

Allele frequency attached by ClinVar (database versions not stated): 1000 Genomes Project 0.01178; ESP Exome Variant Server 0.01213; 1000 Genomes Project 30x 0.01249; TOPMed 0.01327; gnomAD 0.01351 and 0.01401; gnomAD exomes 0.01678 and 0.01695; ExAC 0.01771.
gnomAD v4.1: 27,012 of 1,611,106 alleles (1.7%); highest among the groups gnomAD compares: Middle Eastern, 3.8%; 305 homozygotes.

Submissions (5):

CeGaT Center for Human Genetics Tuebingen
Classification: Benign. Last evaluated: 2026-09-01. Review status: criteria provided, single submitter. Criteria: CeGaT Center For Human Genetics Tuebingen Variant Classification Criteria Version 2. Collection method: clinical testing. Allele origin: germline. Affected: yes. Observed: 3 variant alleles.
Comment: CACNA1H: BP4, BS1, BS2

Labcorp Genetics (formerly Invitae), Labcorp
Classification: Benign for Idiopathic generalized epilepsy; Hyperaldosteronism, familial, type IV. Last evaluated: 2026-02-02. Review status: criteria provided, single submitter. Criteria: Invitae Variant Classification Sherloc (09022015). Collection method: clinical testing. Allele origin: germline.

Mayo Clinic Laboratories, Mayo Clinic
Classification: Benign. Last evaluated: 2025-07-16. Review status: criteria provided, single submitter. Criteria: ACMG Guidelines, 2015. Collection method: clinical testing. Allele origin: germline. Observed: 1 variant allele.
Comment: BA1, BS2, BP4

GeneDx
Classification: Likely benign. Last evaluated: 2020-07-09. Review status: criteria provided, single submitter. Criteria: GeneDx Variant Classification Process June 2021. Collection method: clinical testing. Allele origin: germline. Affected: yes.

Breakthrough Genomics
Classification: Likely benign. Review status: criteria provided, single submitter. Criteria: ACMG Guidelines, 2015. Collection method: not provided. Allele origin: germline. Inheritance: Autosomal dominant inheritance. Affected: yes.